The following is an entry in ClinVar:

NM_182925.5(FLT4):c.3893+131G>A

Gene: FLT4 (fms related receptor tyrosine kinase 4; minus strand). Cytogenetic location: 5q35.3.
Variant type: single nucleotide variant.
Coding change: c.3893+131G>A on transcript NM_182925.5 (MANE Select); 131 bases into the intron after coding-DNA position 3893, G replaced by A.
Molecular consequence: intron variant.
Genome position (GRCh38, 1-based): chr5:180,608,837, C>T on the plus strand (G>A on the coding strand, the complement: FLT4 is on the minus strand). VCF-style: chr5-180608837-C-T. GRCh37 (hg19) VCF-style: chr5-180035837-C-T.
Other names: c.3893+131G>A (NM_001354989.2, NM_002020.5).
Identifiers: ClinVar variation 2656151 (VCV002656151.24), dbSNP rs564100331, ClinGen allele CA133198394.

ClinVar aggregate classification (germline): Likely benign (1 of 4 stars; one submission).

Allele frequency attached by ClinVar (database versions not stated): 1000 Genomes Project 30x 0.00094; 1000 Genomes Project 0.00100; gnomAD 0.00336; gnomAD exomes 0.00427.
gnomAD v4.1: 3,210 of 793,498 alleles (0.4%); highest among the groups gnomAD compares: Non-Finnish European, 0.58%; 6 homozygotes.

Submission:

CeGaT Center for Human Genetics Tuebingen
Classification: Likely benign. Last evaluated: 2023-05-01. Review status: criteria provided, single submitter. Criteria: CeGaT Center For Human Genetics Tuebingen Variant Classification Criteria Version 2. Collection method: clinical testing. Allele origin: germline. Affected: yes. Observed: 4 variant alleles.
Comment: FLT4: BS1